The following is an entry in ClinVar:

NM_001267550.2(TTN):c.55661G>A (p.Arg18554Gln)

Genes: TTN (titin; minus strand), TTN-AS1 (TTN antisense RNA 1; plus strand). Cytogenetic location: 2q31.2.
Variant type: single nucleotide variant.
Coding change: c.55661G>A on transcript NM_001267550.2 (MANE Select); coding-DNA position 55661, G replaced by A.
Protein change: p.Arg18554Gln; replaces arginine 18554 with glutamine.
Molecular consequence: missense variant.
Genome position (GRCh38, 1-based): chr2:178,601,336, C>T on the plus strand (G>A on the coding strand, the complement: TTN is on the minus strand). VCF-style: chr2-178601336-C-T. GRCh37 (hg19) VCF-style: chr2-179466063-C-T.
Other names: c.50738G>A, p.Arg16913Gln (NM_001256850.1); c.28466G>A, p.Arg9489Gln (NM_003319.4); c.47957G>A, p.Arg15986Gln (NM_133378.4); c.28841G>A, p.Arg9614Gln (NM_133432.3); c.29042G>A, p.Arg9681Gln (NM_133437.4); short protein forms R15986Q, R18554Q, R9489Q, R16913Q, R9614Q, R9681Q.
Identifiers: ClinVar variation 497146 (VCV000497146.23), dbSNP rs202126861, ClinGen allele CA1993415.

ClinVar aggregate classification (germline): Conflicting classifications of pathogenicity. Review status: criteria provided, conflicting classifications (1 of 4 stars). 6 submissions from 6 submitters: Uncertain significance (5); Likely benign (1). Last evaluated 2026-07-09.

Conditions:
TTN-related disorder. Also called: TTN-related condition; TTN-related disease; TTN-related disorders.
Early-onset myopathy with fatal cardiomyopathy (CMYO5). Also called: Salih Myopathy; CONGENITAL MYOPATHY 5 WITH CARDIOMYOPATHY. Identifiers: Orphanet 289377, MedGen C2673677, MONDO:0012714, OMIM 611705. Disease mechanism: loss of function.
Tibial muscular dystrophy (TMD). Also called: Tibial muscular dystrophy, tardive; UDD MYOPATHY; Udd Distal Myopathy – Tibial Muscular Dystrophy. Identifiers: Orphanet 609, MedGen C1838244, MONDO:0010870, OMIM 600334.
Dilated cardiomyopathy 1G (CMD1G). Identifiers: Orphanet 154, MedGen C1858763, MONDO:0011400, OMIM 604145.
Autosomal recessive limb-girdle muscular dystrophy type 2J (LGMDR10). Also called: Limb-girdle muscular dystrophy, type 2J; MUSCULAR DYSTROPHY, LIMB-GIRDLE, AUTOSOMAL RECESSIVE 10. Identifiers: Orphanet 140922, MedGen C1837342, MONDO:0012127, OMIM 608807.
Hypertrophic cardiomyopathy 9. Also called: Familial hypertrophic cardiomyopathy 9. Identifiers: MedGen C1861065, MONDO:0013412, OMIM 613765.
Myopathy, myofibrillar, 9, with early respiratory failure (MFM9). Also called: EDSTROM MYOPATHY; Myopathy, distal, with early respiratory failure, autosomal dominant; Hereditary myopathy with early respiratory failure; MYOPATHY, PROXIMAL, WITH EARLY RESPIRATORY MUSCLE INVOLVEMENT. Identifiers: Orphanet 178464, Orphanet 34521, MedGen C1863599, MONDO:0011362, OMIM 603689.
Cardiomyopathy (CMYO). Also called: Cardiomyopathies. Identifiers: Orphanet 167848, MedGen C0878544, MONDO:0004994, HP:0001638. Inheritance: Various modes of inheritance.

Allele frequency attached by ClinVar (database versions not stated): gnomAD exomes 0.00002 and 0.00003; ExAC 0.00003; gnomAD 0.00006 and 0.00007; TOPMed 0.00006; ESP Exome Variant Server 0.00008; 1000 Genomes Project 30x 0.00016; 1000 Genomes Project 0.00020.
gnomAD v4.1: 33 of 1,609,924 alleles (0.002%); highest among the groups gnomAD compares: African/African-American, 0.013%; no homozygotes.

Submissions (6):

PreventionGenetics, part of Exact Sciences
Classification: Uncertain significance for TTN-related condition. Last evaluated: 2026-07-09. Review status: criteria provided, single submitter. Criteria: ACMG Guidelines, 2015. Collection method: clinical testing. Allele origin: germline.
Comment: The TTN c.55661G>A variant is predicted to result in the amino acid substitution p.Arg18554Gln. To our knowledge, this variant has not been reported in the literature. This variant is reported in 0.012% of alleles in individuals of African descent in gnomAD. At this time, the clinical significance of this variant is uncertain due to the absence of conclusive functional and genetic evidence.

CHEO Genetics Diagnostic Laboratory, Children's Hospital of Eastern Ontario
Classification: Likely benign for Cardiomyopathy. Last evaluated: 2023-05-16. Review status: criteria provided, single submitter. Criteria: ACMG Guidelines, 2015. Collection method: clinical testing. Allele origin: germline.

Fulgent Genetics
Classification: Uncertain significance for Tibial muscular dystrophy; Myopathy, myofibrillar, 9, with early respiratory failure; Dilated cardiomyopathy 1G; Autosomal recessive limb-girdle muscular dystrophy type 2J; Early-onset myopathy with fatal cardiomyopathy; Hypertrophic cardiomyopathy 9. Last evaluated: 2021-08-11. Review status: criteria provided, single submitter. Criteria: ACMG Guidelines, 2015. Collection method: clinical testing. Allele origin: unknown.

Women's Health and Genetics/Laboratory Corporation of America, LabCorp
Classification: Uncertain significance. Last evaluated: 2020-10-26. Review status: criteria provided, single submitter. Criteria: LabCorp Variant Classification Summary - May 2015. Collection method: clinical testing. Allele origin: germline.
Comment: Variant summary: TTN c.47957G>A (p.Arg15986Gln) results in a conservative amino acid change located in the A-band of the encoded protein sequence. Three of five in-silico tools predict a damaging effect of the variant on protein function. The variant allele was found at a frequency of 2.8e-05 in 246420 control chromosomes. The available data on variant occurrences in the general population are insufficient to allow any conclusion about variant significance. To our knowledge, no occurrence of c.47957G>A in individuals affected with Dilated Cardiomyopathy and no experimental evidence demonstrating its impact on protein function have been reported. Two clinical diagnostic laboratories have submitted clinical-significance assessments for this variant to ClinVar after 2014 without evidence for independent evaluation. All laboratories classified the variant as uncertain significance. Based on the evidence outlined above, the variant was classified as uncertain significance.

Revvity Omics, Revvity
Classification: Uncertain significance. Last evaluated: 2020-09-30. Review status: criteria provided, single submitter. Criteria: ACMG Guidelines, 2015. Collection method: clinical testing. Allele origin: germline.

Eurofins Ntd Llc (ga)
Classification: Uncertain significance. Last evaluated: 2017-01-10. Review status: criteria provided, single submitter. Criteria: EGL Classification Definitions 2015. Collection method: clinical testing. Allele origin: germline. Observed: 2 variant alleles, 1 heterozygote.